The following is an entry in ClinVar:

NM_000059.4(BRCA2):c.4102delinsGTC (p.Leu1368fs)

Gene: BRCA2 (BRCA2 DNA repair associated; plus strand). Cytogenetic location: 13q13.1.
Variant type: Indel.
Coding change: c.4102delinsGTC on transcript NM_000059.4 (MANE Select); coding-DNA position 4102, T replaced by GTC.
Protein change: p.Leu1368fs; shifts the reading frame from leucine 1368.
Molecular consequence: frameshift variant.
Genome position (GRCh38, 1-based): chr13:32,338,457, T replaced by GTC. VCF-style: chr13-32338457-T-GTC. GRCh37 (hg19) VCF-style: chr13-32912594-T-GTC.
Other names: c.4102delTinsGTC, p.Leu1368Valfs (NM_001406720.1, NM_001406719.1); short protein forms L1368fs.
Identifiers: ClinVar variation 1737866 (VCV001737866.2), dbSNP rs2548527640, ClinGen allele CA2580087244.
Genomic context (GRCh38, chr13:32,338,457, plus strand): 5'-TGTATTCATAAAGATGAAACGGACTTGCTATTTACTGATCAGCACAACATATGTCTTAAA[T>GTC]TATCTGGCCAGTTTATGAAGGAGGGAAACACTCAGATTAAAGAAGATTTGTCAGATTTAA-3'

ClinVar aggregate classification (germline): Pathogenic (1 of 4 stars; one submission).

Conditions:
Hereditary cancer-predisposing syndrome. Also called: Neoplastic Syndromes, Hereditary; Tumor predisposition; Hereditary Cancer Syndrome; Hereditary neoplastic syndrome. Identifiers: Orphanet 140162, MedGen C0027672, MeSH D009386, MONDO:0015356.

Submission:

Ambry Genetics
Classification: Pathogenic for Hereditary cancer-predisposing syndrome. Last evaluated: 2021-05-06. Review status: criteria provided, single submitter. Criteria: Ambry Variant Classification Scheme 2023. Collection method: clinical testing. Allele origin: germline.
Comment: The c.4102delTinsGTC pathogenic mutation, located in coding exon 10 of the BRCA2 gene, results from the deletion of one nucleotide and insertion of 3 nucleotides causing a translational frameshift with a predicted alternate stop codon (p.L1368Vfs*7). This alteration is expected to result in loss of function by premature protein truncation or nonsense-mediated mRNA decay. As such, this alteration is interpreted as a disease-causing mutation.